The following is an entry in ClinVar:

ClinVar aggregate classification (germline): Likely pathogenic (1 of 4 stars; one submission).

Conditions:
RYR1-related disorder. Also called: RYR1-related disorders; RYR1-related condition. Identifiers: MedGen CN239331.

Submission:

Labcorp Genetics (formerly Invitae), Labcorp
Classification: Likely pathogenic for RYR1-related disorder. Last evaluated: 2022-07-06. Review status: criteria provided, single submitter. Criteria: Invitae Variant Classification Sherloc (09022015). Collection method: clinical testing. Allele origin: germline.
Comment: Algorithms developed to predict the effect of sequence changes on RNA splicing suggest that this variant may disrupt the consensus splice site. In summary, the currently available evidence indicates that the variant is pathogenic, but additional data are needed to prove that conclusively. Therefore, this variant has been classified as Likely Pathogenic. ClinVar contains an entry for this variant (Variation ID: 647115). This variant has not been reported in the literature in individuals affected with RYR1-related conditions. This variant is not present in population databases (gnomAD no frequency). This sequence change affects a donor splice site in intron 96 of the RYR1 gene. It is expected to disrupt RNA splicing. Variants that disrupt the donor or acceptor splice site typically lead to a loss of protein function (PMID: 16199547), and loss-of-function variants in RYR1 are known to be pathogenic (PMID: 20583297, 20839240, 23919265, 28818389).

Literature cited by the submitters: PubMed 16199547; PubMed 20583297; PubMed 20839240; PubMed 23919265; PubMed 28818389.

NM_000540.3(RYR1):c.14129+1G>T

Gene: RYR1 (ryanodine receptor 1; plus strand). Cytogenetic location: 19q13.2.
Variant type: single nucleotide variant.
Coding change: c.14129+1G>T on transcript NM_000540.3 (MANE Select); the canonical splice donor site of the intron after coding-DNA position 14129, G replaced by T.
Molecular consequence: splice donor variant.
Genome position (GRCh38, 1-based): chr19:38,573,308, G>T. VCF-style: chr19-38573308-G-T. GRCh37 (hg19) VCF-style: chr19-39063948-G-T.
Other names: c.14114+1G>T (NM_001042723.2).
Identifiers: ClinVar variation 647115 (VCV000647115.7), dbSNP rs142929172, ClinGen allele CA405682664.